The following is an entry in ClinVar:

ClinVar aggregate classification (germline): Benign/Likely benign. Review status: criteria provided, multiple submitters, no conflicts (2 of 4 stars). 5 submissions from 5 submitters: Benign (2); Likely benign (2). 1 of the submissions does not count toward it. Last evaluated 2026-01-09.

Conditions:
Niemann-Pick disease, type C1. Also called: NIEMANN-PICK DISEASE, VARIANT TYPE C1; NEUROVISCERAL STORAGE DISEASE WITH VERTICAL SUPRANUCLEAR OPHTHALMOPLEGIA; NIEMANN-PICK DISEASE WITH CHOLESTEROL ESTERIFICATION BLOCK; NIEMANN-PICK DISEASE WITHOUT SPHINGOMYELINASE DEFICIENCY; NIEMANN-PICK DISEASE, CHRONIC NEURONOPATHIC FORM. Identifiers: Orphanet 646, MedGen C3179455, MONDO:0009757, OMIM 257220.
NPC1-related disorder. Also called: NPC1-related condition.

Allele frequency attached by ClinVar (database versions not stated): ExAC 0.00013; ESP Exome Variant Server 0.00192.

Submissions (5):

Labcorp Genetics (formerly Invitae), Labcorp
Classification: Benign for Niemann-Pick disease, type C1. Last evaluated: 2026-01-09. Review status: criteria provided, single submitter. Criteria: Invitae Variant Classification Sherloc (09022015). Collection method: clinical testing. Allele origin: germline.

Mayo Clinic Laboratories, Mayo Clinic
Classification: Benign. Last evaluated: 2025-03-12. Review status: criteria provided, single submitter. Criteria: ACMG Guidelines, 2015. Collection method: clinical testing. Allele origin: germline. Observed: 1 variant allele.
Comment: BS1, BS2, BP4, BP7

Blueprint Genetics
Classification: Likely benign. Last evaluated: 2024-09-23. Review status: criteria provided, single submitter. Criteria: ACMG Guidelines, 2015. Collection method: clinical testing. Allele origin: germline.

Eurofins Ntd Llc (ga)
Classification: Likely benign. Last evaluated: 2017-12-28. Review status: criteria provided, single submitter. Criteria: EGL Classification Definitions 2015. Collection method: clinical testing. Allele origin: germline. Observed: 3 variant alleles, 3 heterozygotes.

PreventionGenetics, part of Exact Sciences
Classification: Likely benign for NPC1-related condition. Last evaluated: 2024-05-24. Review status: no assertion criteria provided. Collection method: clinical testing. Allele origin: germline. Not counted in ClinVar's aggregate classification.
Comment: This variant is classified as likely benign based on ACMG/AMP sequence variant interpretation guidelines (Richards et al. 2015 PMID: 25741868, with internal and published modifications).

NM_000271.5(NPC1):c.1947+9_1947+10insT

Gene: NPC1 (NPC intracellular cholesterol transporter 1; minus strand). Cytogenetic location: 18q11.2.
Variant type: Insertion.
Coding change: c.1947+9_1947+10insT on transcript NM_000271.5 (MANE Select); bases 9 to 10 of the intron after coding-DNA position 1947, T inserted.
Molecular consequence: intron variant.
Genome position: GRCh38 VCF-style: chr18-23544950-C-CA. GRCh37 (hg19) VCF-style: chr18-21124914-C-CA.
Other names: p.?; c.1947+9_1947+10insT (NM_000271.4).
Identifiers: ClinVar variation 595021 (VCV000595021.16), dbSNP rs1555634683, ClinGen allele CA8913325.